The following is an entry in ClinVar:

NM_199420.4(POLQ):c.1630G>T (p.Ala544Ser)

Gene: POLQ (DNA polymerase theta; minus strand). Cytogenetic location: 3q13.33.
Variant type: single nucleotide variant.
Coding change: c.1630G>T on transcript NM_199420.4 (MANE Select); coding-DNA position 1630, G replaced by T.
Protein change: p.Ala544Ser; replaces alanine 544 with serine.
Molecular consequence: missense variant.
Genome position (GRCh38, 1-based): chr3:121,510,225, C>A on the plus strand (G>T on the coding strand, the complement: POLQ is on the minus strand). VCF-style: chr3-121510225-C-A. GRCh37 (hg19) VCF-style: chr3-121229072-C-A.
Other names: short protein forms A544S.
Identifiers: ClinVar variation 1776827 (VCV001776827.2), dbSNP rs2546802723, ClinGen allele CA354115281.

ClinVar aggregate classification (germline): Uncertain significance (1 of 4 stars; one submission).

Submission:

Ambry Genetics
Classification: Uncertain significance. Last evaluated: 2022-02-15. Review status: criteria provided, single submitter. Criteria: Ambry Variant Classification Scheme 2023. Collection method: clinical testing. Allele origin: germline.
Comment: The p.A544S variant (also known as c.1630G>T), located in coding exon 11 of the POLQ gene, results from a G to T substitution at nucleotide position 1630. The alanine at codon 544 is replaced by serine, an amino acid with similar properties. This amino acid position is conserved. In addition, this alteration is predicted to be tolerated by in silico analysis. Since supporting evidence is limited at this time, the clinical significance of this alteration remains unclear.